The following is an entry in ClinVar:

ClinVar aggregate classification (germline): Benign/Likely benign. Review status: criteria provided, multiple submitters, no conflicts (2 of 4 stars). 4 submissions from 4 submitters: Benign (2); Likely benign (2). Last evaluated 2026-01-07.

Allele frequency attached by ClinVar (database versions not stated): gnomAD exomes 0.00015 and 0.00037; ExAC 0.00044; gnomAD 0.00139 and 0.00143; TOPMed 0.00159; 1000 Genomes Project 0.00160; ESP Exome Variant Server 0.00161; 1000 Genomes Project 30x 0.00187.
gnomAD v4.1: 439 of 1,614,174 alleles (0.027%); highest among the groups gnomAD compares: African/African-American, 0.5%; 1 homozygote.

Submissions (4):

Labcorp Genetics (formerly Invitae), Labcorp
Classification: Benign. Last evaluated: 2026-01-07. Review status: criteria provided, single submitter. Criteria: Invitae Variant Classification Sherloc (09022015). Collection method: clinical testing. Allele origin: germline.

Mayo Clinic Laboratories, Mayo Clinic
Classification: Likely benign. Last evaluated: 2025-10-20. Review status: criteria provided, single submitter. Criteria: ACMG Guidelines, 2015. Collection method: clinical testing. Allele origin: germline. Observed: 4 variant alleles.
Comment: BP4, BP7

Blueprint Genetics
Classification: Likely benign. Last evaluated: 2024-11-25. Review status: criteria provided, single submitter. Criteria: ACMG Guidelines, 2015. Collection method: clinical testing. Allele origin: germline.

Breakthrough Genomics
Classification: Benign. Review status: criteria provided, single submitter. Criteria: ACMG Guidelines, 2015. Collection method: not provided. Allele origin: germline. Inheritance: Autosomal recessive inheritance. Affected: yes.

NM_001061.7(TBXAS1):c.1201C>T (p.Leu401=)

Gene: TBXAS1 (thromboxane A synthase 1; plus strand). Cytogenetic location: 7q34.
Variant type: single nucleotide variant.
Coding change: c.1201C>T on transcript NM_001061.7 (MANE Select); coding-DNA position 1201, C replaced by T.
Protein change: p.Leu401=; no amino-acid change (leucine 401 retained).
Molecular consequence: synonymous variant.
Genome position (GRCh38, 1-based): chr7:140,007,157, C>T. VCF-style: chr7-140007157-C-T. GRCh37 (hg19) VCF-style: chr7-139706957-C-T.
Other names: p.Leu447=; c.1339C>T (NM_001166253.3); c.1201C>T, p.Leu401= (NM_001130966.5, NM_030984.6); c.1339C>T, p.Leu447= (NM_001166253.4); c.1000C>T, p.Leu334= (NM_001166254.4); c.1144C>T, p.Leu382= (NM_001314028.4); c.1018C>T, p.Leu340= (NM_001366537.3).
Identifiers: ClinVar variation 1642909 (VCV001642909.11), dbSNP rs143966863, ClinGen allele CA4511925.
Genomic context (GRCh38, chr7:140,007,157, plus strand): 5'-CCTGAGTTCTGCAGCCTCGAGGAAGGCCTGCCCTATCTGGACATGGTGATTGCAGAGACG[C>T]TGAGGATGTACCCGCCAGCTTTCAGGTGTGTGGTAGCCCCCTCCCCTGCCCGAGTCCCCA-3'
Protein context (NP_001052.3, residues 391-411): PYLDMVIAET[Leu401=]RMYPPAFRFT